The following is an entry in ClinVar:

ClinVar aggregate classification (germline): Likely pathogenic (1 of 4 stars; one submission).

Conditions:
Inborn genetic diseases. Identifiers: MedGen C0950123, MeSH D030342.

Submission:

Ambry Genetics
Classification: Likely pathogenic for Inborn genetic diseases. Last evaluated: 2022-12-16. Review status: criteria provided, single submitter. Criteria: Ambry Variant Classification Scheme 2023. Collection method: clinical testing. Allele origin: germline.
Comment: The c.638T>A (p.L213H) alteration is located in exon 1 (coding exon 1) of the TBR1 gene. This alteration results from a T to A substitution at nucleotide position 638, causing the leucine (L) at amino acid position 213 to be replaced by a histidine (H). This variant was not reported in population-based cohorts in the Genome Aggregation Database (gnomAD). This amino acid position is highly conserved in available vertebrate species. This alteration is predicted to be deleterious by in silico analysis. Based on the available evidence, this alteration is classified as likely pathogenic.

NM_006593.4(TBR1):c.638T>A (p.Leu213His)

Gene: TBR1 (T-box brain transcription factor 1; plus strand). Cytogenetic location: 2q24.2.
Variant type: single nucleotide variant.
Coding change: c.638T>A on transcript NM_006593.4 (MANE Select); coding-DNA position 638, T replaced by A.
Protein change: p.Leu213His; replaces leucine 213 with histidine.
Molecular consequence: missense variant.
Genome position (GRCh38, 1-based): chr2:161,417,048, T>A. VCF-style: chr2-161417048-T-A. GRCh37 (hg19) VCF-style: chr2-162273559-T-A.
Other names: short protein forms L213H.
Identifiers: ClinVar variation 2325692 (VCV002325692.2), dbSNP rs2468090945, ClinGen allele CA349211837.